The following is an entry in ClinVar:

NM_001278064.2(GRM1):c.1644G>A (p.Thr548=)

Gene: GRM1 (glutamate metabotropic receptor 1; plus strand). Cytogenetic location: 6q24.3.
Variant type: single nucleotide variant.
Coding change: c.1644G>A on transcript NM_001278064.2 (MANE Select); coding-DNA position 1644, G replaced by A.
Protein change: p.Thr548=; no amino-acid change (threonine 548 retained).
Molecular consequence: synonymous variant.
Genome position (GRCh38, 1-based): chr6:146,386,931, G>A. VCF-style: chr6-146386931-G-A. GRCh37 (hg19) VCF-style: chr6-146708067-G-A.
Other names: c.1644G>A, p.Thr548= (NM_001278065.2, NM_001278066.1, NM_001278067.1); c.1644G>A (NM_001278064.1).
Identifiers: ClinVar variation 2046069 (VCV002046069.5), dbSNP rs141287468, ClinGen allele CA4037337.
Genomic context (GRCh38, chr6:146,386,931, plus strand): 5'-TGAAATATCTATGTTATAGGTTATACGGAAAGGAGAAGTGAGCTGCTGCTGGATTTGCAC[G>A]GCCTGCAAAGAGAATGAATATGTGCAAGATGAGTTCACCTGCAAAGCTTGTGACTTGGGA-3'
Protein context (NP_001264993.1, residues 538-558): KGEVSCCWIC[Thr548=]ACKENEYVQD

ClinVar aggregate classification (germline): Likely benign. Review status: criteria provided, multiple submitters, no conflicts (2 of 4 stars). 2 submissions from 2 submitters: Likely benign (2). Last evaluated 2025-12-23.

Conditions:
GRM1-related disorder. Also called: GRM1-related condition.

Allele frequency attached by ClinVar (database versions not stated): gnomAD exomes 0.00002; ExAC 0.00003; ESP Exome Variant Server 0.00008; gnomAD 0.00009; TOPMed 0.00012.
gnomAD v4.1: 47 of 1,610,650 alleles (0.0029%); highest among the groups gnomAD compares: African/African-American, 0.031%; no homozygotes.

Submissions (2):

Labcorp Genetics (formerly Invitae), Labcorp
Classification: Likely benign. Last evaluated: 2025-12-23. Review status: criteria provided, single submitter. Criteria: Invitae Variant Classification Sherloc (09022015). Collection method: clinical testing. Allele origin: germline.

PreventionGenetics, part of Exact Sciences
Classification: Likely benign for GRM1-related condition. Last evaluated: 2025-11-12. Review status: criteria provided, single submitter. Criteria: ACMG Guidelines, 2015. Collection method: clinical testing. Allele origin: germline.
Comment: This variant is classified as likely benign based on ACMG/AMP sequence variant interpretation guidelines (Richards et al. 2015 PMID: 25741868, with internal and published modifications).